The following is an entry in ClinVar:

NM_001130438.3(SPTAN1):c.4759-5T>C

Gene: SPTAN1 (spectrin alpha, non-erythrocytic 1; plus strand). Cytogenetic location: 9q34.11.
Variant type: single nucleotide variant.
Coding change: c.4759-5T>C on transcript NM_001130438.3 (MANE Select); 5 bases into the intron before coding-DNA position 4759, T replaced by C.
Molecular consequence: intron variant.
Genome position (GRCh38, 1-based): chr9:128,609,646, T>C. VCF-style: chr9-128609646-T-C. GRCh37 (hg19) VCF-style: chr9-131371925-T-C.
Other names: c.4795-5T>C (NM_001375318.1, NM_001375312.2); c.4759-5T>C (NM_001375311.2, NM_001375310.1, NM_001363759.2 and 1 more transcripts); c.4699-5T>C (NM_001375314.2, NM_001363765.2); c.4758+362T>C (NM_003127.4); c.4698+362T>C (NM_001195532.2).
Identifiers: ClinVar variation 2248197 (VCV002248197.2), dbSNP rs1589317888, ClinGen allele CA1880360691.

ClinVar aggregate classification (germline): Uncertain significance (1 of 4 stars; one submission).

Conditions:
Inborn genetic diseases. Identifiers: MedGen C0950123, MeSH D030342.

Submission:

Ambry Genetics
Classification: Uncertain significance for Inborn genetic diseases. Last evaluated: 2021-09-21. Review status: criteria provided, single submitter. Criteria: Ambry Variant Classification Scheme 2023. Collection method: clinical testing. Allele origin: germline.
Comment: The c.4759-5T>C intronic alteration consists of a T to C substitution 5 nucleotides before exon 37 (coding exon 36) of the SPTAN1 gene. Based on insufficient or conflicting evidence, the clinical significance of this alteration remains unclear.